The following is an entry in ClinVar:

ClinVar aggregate classification (germline): Uncertain significance (1 of 4 stars; one submission).

Conditions:
Rhabdoid tumor predisposition syndrome 2 (RTPS2). Identifiers: Orphanet 231108, Orphanet 69077, MedGen C2750074, MONDO:0013224, OMIM 613325.

Submission:

Labcorp Genetics (formerly Invitae), Labcorp
Classification: Uncertain significance for Rhabdoid tumor predisposition syndrome 2. Last evaluated: 2021-04-04. Review status: criteria provided, single submitter. Criteria: Invitae Variant Classification Sherloc (09022015). Collection method: clinical testing. Allele origin: germline.
Comment: This sequence change replaces glycine with glutamic acid at codon 600 of the SMARCA4 protein (p.Gly600Glu). The glycine residue is highly conserved and there is a moderate physicochemical difference between glycine and glutamic acid. In summary, the available evidence is currently insufficient to determine the role of this variant in disease. Therefore, it has been classified as a Variant of Uncertain Significance. Algorithms developed to predict the effect of missense changes on protein structure and function (SIFT, PolyPhen-2, Align-GVGD) all suggest that this variant is likely to be disruptive, but these predictions have not been confirmed by published functional studies and their clinical significance is uncertain. This variant has not been reported in the literature in individuals with SMARCA4-related conditions. This variant is not present in population databases (ExAC no frequency).

NM_003072.5(SMARCA4):c.1799G>A (p.Gly600Glu)

Gene: SMARCA4 (SWI/SNF related BAF chromatin remodeling complex subunit ATPase 4; plus strand). Cytogenetic location: 19p13.2.
Variant type: single nucleotide variant.
Coding change: c.1799G>A on transcript NM_003072.5 (MANE Select); coding-DNA position 1799, G replaced by A.
Protein change: p.Gly600Glu; replaces glycine 600 with glutamic acid.
Molecular consequence: missense variant. On other transcripts: non-coding transcript variant (1).
Genome position (GRCh38, 1-based): chr19:10,996,531, G>A. VCF-style: chr19-10996531-G-A. GRCh37 (hg19) VCF-style: chr19-11107207-G-A.
Other names: c.1799G>A, p.Gly600Glu (NM_001128844.3, NM_001128845.2, NM_001128846.2 and 5 more transcripts); short protein forms G600E.
Identifiers: ClinVar variation 1491107 (VCV001491107.8), dbSNP rs2145981386, ClinGen allele CA404064862.
Genomic context (GRCh38, chr19:10,996,531, plus strand): 5'-ACCGTGTCTCTCTCTATTTCCAGAAGGCAGAAAATGCAGAAGGACAGACGCCTGCCATTG[G>A]GCCGGATGGCGAGGTGAGGAAGCAGGGTTTCTTGTGGAAGTATCAAGCTAGCCCTAAGGC-3'
Protein context (NP_003063.2, residues 590-610): ENAEGQTPAI[Gly600Glu]PDGEPLDETS